The following is an entry in ClinVar:

ClinVar aggregate classification (germline): Likely pathogenic (1 of 4 stars; one submission).

Conditions:
Neuroocular syndrome 1 (NOC1). Identifiers: Orphanet 659904, MedGen C5925133, MONDO:0971007, OMIM 619539.

Submission:

3billion
Classification: Likely pathogenic for Neuroocular syndrome 1. Last evaluated: 2025-10-07. Review status: criteria provided, single submitter. Criteria: ACMG Guidelines, 2015. Collection method: clinical testing. Allele origin: germline. Affected: yes.
Comment: The variant is not observed in the gnomAD v4.1.0 dataset. Predicted Consequence/Location: Frameshift: predicted to result in a loss or disruption of normal protein function through nonsense-mediated decay (NMD) or protein truncation. Multiple pathogenic variants are reported downstream of the variant. Therefore, this variant is classified as Likely pathogenic according to the recommendation of ACMG/AMP guideline.

NM_020719.3(PRR12):c.2430dup (p.Ser811fs)

Gene: PRR12 (proline rich 12; plus strand). Cytogenetic location: 19q13.33.
Variant type: Duplication.
Coding change: c.2430dup on transcript NM_020719.3 (MANE Select); coding-DNA position 2430, one base duplicated (C; older notation c.2430dupC).
Protein change: p.Ser811fs; shifts the reading frame from serine 811.
Molecular consequence: frameshift variant.
Genome position (GRCh38, 1-based): chr19:49,596,765, C duplicated; the last of 5 consecutive C bases (chr19:49,596,761-49,596,765); duplicating any one gives the same sequence. VCF-style (leftmost placement, unchanged base first): chr19-49596760-G-GC. GRCh37 (hg19) VCF-style: chr19-50100017-G-GC.
Other names: short protein forms S811fs.
Identifiers: ClinVar variation 4854112 (VCV004854112.1).
Genomic context (GRCh38, chr19:49,596,760, plus strand): 5'-GACCTCCCACTGGTGCTGCCTCCGCCTCCCCCCCAGCTGCTCCCCTCGGTCCTCAGCCAT[G>GC]CCCCCAGTCCCTCTCCCAGCGCCTCCAAAGTCGGCGTCCACCTCCTTGAGCCAGCCACCC-3'